The following is an entry in ClinVar:

NM_001297.5(CNGB1):c.1118C>T (p.Thr373Ile)

Gene: CNGB1 (cyclic nucleotide gated channel subunit beta 1; minus strand). Cytogenetic location: 16q21.
Variant type: single nucleotide variant.
Coding change: c.1118C>T on transcript NM_001297.5 (MANE Select); coding-DNA position 1118, C replaced by T.
Protein change: p.Thr373Ile; replaces threonine 373 with isoleucine.
Molecular consequence: missense variant.
Genome position (GRCh38, 1-based): chr16:57,949,356, G>A on the plus strand (C>T on the coding strand, the complement: CNGB1 is on the minus strand). VCF-style: chr16-57949356-G-A. GRCh37 (hg19) VCF-style: chr16-57983260-G-A.
Other names: c.1100C>T, p.Thr367Ile (NM_001286130.2); short protein forms T373I, T367I.
Identifiers: ClinVar variation 1980014 (VCV001980014.4), dbSNP rs1381290724, ClinGen allele CA396074995.

ClinVar aggregate classification (germline): Uncertain significance (1 of 4 stars; one submission).

Allele frequency attached by ClinVar (database versions not stated): gnomAD 0.00001; TOPMed 0.00001.
gnomAD v4.1: 1 of 1,610,276 alleles (0.000062%); highest among the groups gnomAD compares: Admixed American, 0.0017%; no homozygotes.

Submission:

Labcorp Genetics (formerly Invitae), Labcorp
Classification: Uncertain significance. Last evaluated: 2022-09-08. Review status: criteria provided, single submitter. Criteria: Invitae Variant Classification Sherloc (09022015). Collection method: clinical testing. Allele origin: germline.
Comment: This variant is not present in population databases (gnomAD no frequency). In summary, the available evidence is currently insufficient to determine the role of this variant in disease. Therefore, it has been classified as a Variant of Uncertain Significance. Advanced modeling of protein sequence and biophysical properties (such as structural, functional, and spatial information, amino acid conservation, physicochemical variation, residue mobility, and thermodynamic stability) performed at Invitae indicates that this missense variant is not expected to disrupt CNGB1 protein function. This variant has not been reported in the literature in individuals affected with CNGB1-related conditions. This sequence change replaces threonine, which is neutral and polar, with isoleucine, which is neutral and non-polar, at codon 373 of the CNGB1 protein (p.Thr373Ile).